The following is an entry in ClinVar:

ClinVar aggregate classification (germline): Uncertain significance (1 of 4 stars; one submission).

Conditions:
IFNLR1-related disorder. Also called: IFNLR1-related condition.

gnomAD v4.1: 3 of 1,614,134 alleles (0.00019%); highest among the groups gnomAD compares: South Asian, 0.0022%; no homozygotes.

Submission:

PreventionGenetics, part of Exact Sciences
Classification: Uncertain significance for IFNLR1-related condition. Last evaluated: 2023-01-23. Review status: criteria provided, single submitter. Criteria: ACMG Guidelines, 2015. Collection method: clinical testing. Allele origin: germline.
Comment: The IFNLR1 c.1487C>G variant is predicted to result in the amino acid substitution p.Ala496Gly. To our knowledge, this variant has not been reported in the literature. This variant is reported in 0.0065% of alleles in individuals of South Asian descent in gnomAD. At this time, the clinical significance of this variant is uncertain due to the absence of conclusive functional and genetic evidence.

NM_170743.4(IFNLR1):c.1487C>G (p.Ala496Gly)

Gene: IFNLR1 (interferon lambda receptor 1; minus strand). Cytogenetic location: 1p36.11.
Variant type: single nucleotide variant.
Coding change: c.1487C>G on transcript NM_170743.4 (MANE Select); coding-DNA position 1487, C replaced by G.
Protein change: p.Ala496Gly; replaces alanine 496 with glycine.
Molecular consequence: missense variant. On other transcripts: 3 prime UTR variant (1).
Genome position (GRCh38, 1-based): chr1:24,157,206, G>C on the plus strand (C>G on the coding strand, the complement: IFNLR1 is on the minus strand). VCF-style: chr1-24157206-G-C. GRCh37 (hg19) VCF-style: chr1-24483696-G-C.
Other names: c.1400C>G, p.Ala467Gly (NM_173064.3); c.*621C>G (NM_173065.3); short protein forms A467G, A496G.
Identifiers: ClinVar variation 2636762 (VCV002636762.1), dbSNP rs575575280, ClinGen allele CA689384.